The following is an entry in ClinVar:

NM_023036.6(DNAI2):c.1184_1185insTCGAGGCTGATAGCGAGCT (p.Arg396_Glu397insGlyTerArg)

Gene: DNAI2 (dynein axonemal intermediate chain 2; plus strand). Cytogenetic location: 17q25.1.
Variant type: Insertion.
Coding change: c.1184_1185insTCGAGGCTGATAGCGAGCT on transcript NM_023036.6 (MANE Select); coding-DNA positions 1184 to 1185, TCGAGGCTGATAGCGAGCT inserted.
Protein change: p.Arg396_Glu397insGlyTerArg.
Molecular consequence: nonsense. On other transcripts: non-coding transcript variant (1).
Genome position: GRCh38 VCF-style: chr17-74305415-G-GTCGAGGCTGATAGCGAGCT. GRCh37 (hg19) VCF-style: chr17-72301554-G-GTCGAGGCTGATAGCGAGCT.
Other names: c.1184_1185insTCGAGGCTGATAGCGAGCT, p.Arg396_Glu397insGlyTerArg (NM_001172810.3, NM_001353167.2).
Identifiers: ClinVar variation 5010626 (VCV005010626.1).
Genomic context (GRCh38, chr17:74,305,415, plus strand): 5'-TCTACCCGAAGAACTTCCTGACGGTTGGCGACTGGACAGCCCGCATTTGGTCTGAAGACA[G>GTCGAGGCTGATAGCGAGCT]CCGGGAATCGTCCATCATGTGGACCAAGTAAGAGGCGATGCTGGGGACAGGAGGGGATGC-3'

ClinVar aggregate classification (germline): Pathogenic (1 of 4 stars; one submission).

Conditions:
Primary ciliary dyskinesia 9. Also called: CILIARY DYSKINESIA, PRIMARY, 9, WITH OR WITHOUT SITUS INVERSUS. Identifiers: Orphanet 244, MedGen C2676235, MONDO:0012906, OMIM 612444.

Submission:

Myriad Genetics, Inc.
Classification: Pathogenic for Primary ciliary dyskinesia 9. Last evaluated: 2024-05-14. Review status: criteria provided, single submitter. Criteria: Myriad Autosomal Dominant, Autosomal Recessive and X-Linked Classification Criteria (2023). Collection method: clinical testing. Allele origin: unknown.
Comment: NM_023036.4(DNAI2):c.1184_1185ins19(E397Gfs*2) is expected to be pathogenic in the context of primary ciliary dyskinesia, DNAI2-related. This variant is predicted to lead to an abnormal or absent protein product due to the creation of a premature termination codon in DNAI2, a gene where loss-of-function variants are known to be pathogenic. Please note: this variant was assessed in the context of healthy population screening.